The following is an entry in ClinVar:

ClinVar aggregate classification (germline): Uncertain significance (1 of 4 stars; one submission).

Conditions:
Salla disease (SD). Also called: Sialuria, Finnish type; N-acetylneuraminic acid (NANA) storage disease (NSD); Infantile sialic acid storage disorder (ISSD); Less Severe FSASD (Salla Disease). Identifiers: Orphanet 309334, Orphanet 834, MedGen C1096903, MONDO:0011449, OMIM 604369.

gnomAD v4.1: 1 of 1,614,048 alleles (0.000062%); highest among the groups gnomAD compares: Non-Finnish European, 0.000085%; no homozygotes.

Submission:

Labcorp Genetics (formerly Invitae), Labcorp
Classification: Uncertain significance for Salla disease. Last evaluated: 2025-05-04. Review status: criteria provided, single submitter. Criteria: Invitae Variant Classification Sherloc (09022015). Collection method: clinical testing. Allele origin: germline.
Comment: This sequence change affects codon 127 of the SLC17A5 mRNA. It is a 'silent' change, meaning that it does not change the encoded amino acid sequence of the SLC17A5 protein. This variant is not present in population databases (gnomAD no frequency). This variant has not been reported in the literature in individuals affected with SLC17A5-related conditions. Algorithms developed to predict the effect of sequence changes on RNA splicing suggest that this variant may create or strengthen a splice site. In summary, the available evidence is currently insufficient to determine the role of this variant in disease. Therefore, it has been classified as a Variant of Uncertain Significance.

NM_012434.5(SLC17A5):c.381A>G (p.Gly127=)

Gene: SLC17A5 (solute carrier family 17 member 5; minus strand). Cytogenetic location: 6q13.
Variant type: single nucleotide variant.
Coding change: c.381A>G on transcript NM_012434.5 (MANE Select); coding-DNA position 381, A replaced by G.
Protein change: p.Gly127=; no amino-acid change (glycine 127 retained).
Molecular consequence: synonymous variant.
Genome position (GRCh38, 1-based): chr6:73,641,835, T>C on the plus strand (A>G on the coding strand, the complement: SLC17A5 is on the minus strand). VCF-style: chr6-73641835-T-C. GRCh37 (hg19) VCF-style: chr6-74351558-T-C.
Other names: c.150A>G, p.Gly50= (NM_001382629.1, NM_001382636.1); c.381A>G, p.Gly127= (NM_001382630.1, NM_001382632.1, NM_001382633.1 and 2 more transcripts); c.402A>G, p.Gly134= (NM_001382631.1).
Identifiers: ClinVar variation 4781902 (VCV004781902.1).